The following is an entry in ClinVar:

NM_152617.4(RNF168):c.1463A>G (p.Asn488Ser)

Gene: RNF168 (ring finger protein 168; minus strand). Cytogenetic location: 3q29.
Variant type: single nucleotide variant.
Coding change: c.1463A>G on transcript NM_152617.4 (MANE Select); coding-DNA position 1463, A replaced by G.
Protein change: p.Asn488Ser; replaces asparagine 488 with serine.
Molecular consequence: missense variant.
Genome position (GRCh38, 1-based): chr3:196,472,072, T>C on the plus strand (A>G on the coding strand, the complement: RNF168 is on the minus strand). VCF-style: chr3-196472072-T-C. GRCh37 (hg19) VCF-style: chr3-196198943-T-C.
Other names: short protein forms N488S.
Identifiers: ClinVar variation 1907075 (VCV001907075.6), dbSNP rs552043315, ClinGen allele CA2780646.

ClinVar aggregate classification (germline): Uncertain significance. Review status: criteria provided, multiple submitters, no conflicts (2 of 4 stars). 2 submissions from 2 submitters: Uncertain significance (2). Last evaluated 2025-04-09.

Conditions:
Inborn genetic diseases. Identifiers: MedGen C0950123, MeSH D030342.

Allele frequency attached by ClinVar (database versions not stated): gnomAD exomes below 0.00001; ExAC 0.00002; gnomAD 0.00002; TOPMed 0.00002; 1000 Genomes Project 30x 0.00016; 1000 Genomes Project 0.00020.
gnomAD v4.1: 8 of 1,613,624 alleles (0.0005%); highest among the groups gnomAD compares: East Asian, 0.016%; no homozygotes.

Submissions (2):

Ambry Genetics
Classification: Uncertain significance for Inborn genetic diseases. Last evaluated: 2025-04-09. Review status: criteria provided, single submitter. Criteria: Ambry Variant Classification Scheme 2023. Collection method: clinical testing. Allele origin: germline.

Labcorp Genetics (formerly Invitae), Labcorp
Classification: Uncertain significance. Last evaluated: 2022-03-07. Review status: criteria provided, single submitter. Criteria: Invitae Variant Classification Sherloc (09022015). Collection method: clinical testing. Allele origin: germline.
Comment: This variant has not been reported in the literature in individuals affected with RNF168-related conditions. This variant is present in population databases (rs552043315, gnomAD 0.02%). This sequence change replaces asparagine, which is neutral and polar, with serine, which is neutral and polar, at codon 488 of the RNF168 protein (p.Asn488Ser). In summary, the available evidence is currently insufficient to determine the role of this variant in disease. Therefore, it has been classified as a Variant of Uncertain Significance. Algorithms developed to predict the effect of missense changes on protein structure and function output the following: SIFT: "Tolerated"; PolyPhen-2: "Benign"; Align-GVGD: "Class C0". The serine amino acid residue is found in multiple mammalian species, which suggests that this missense change does not adversely affect protein function.